The following is an entry in ClinVar:

ClinVar aggregate classification (germline): Uncertain significance (1 of 4 stars; one submission).

Conditions:
Long QT syndrome (LQTS). Identifiers: MedGen C0023976, MeSH D008133, MONDO:0002442. Disease mechanism: loss of function. Inheritance: Various modes of inheritance.

Submission:

Labcorp Genetics (formerly Invitae), Labcorp
Classification: Uncertain significance for Long QT syndrome. Last evaluated: 2025-11-20. Review status: criteria provided, single submitter. Criteria: Invitae Variant Classification Sherloc (09022015). Collection method: clinical testing. Allele origin: germline.
Comment: This sequence change replaces leucine, which is neutral and non-polar, with proline, which is neutral and non-polar, at codon 1924 of the CACNA1C protein (p.Leu1924Pro). This variant is not present in population databases (gnomAD no frequency). This variant has not been reported in the literature in individuals affected with CACNA1C-related conditions. ClinVar contains an entry for this variant (Variation ID: 1001117). Invitae Evidence Modeling of protein sequence and biophysical properties (such as structural, functional, and spatial information, amino acid conservation, physicochemical variation, residue mobility, and thermodynamic stability) indicates that this missense variant is not expected to disrupt CACNA1C protein function with a negative predictive value of 95%. In summary, the available evidence is currently insufficient to determine the role of this variant in disease. Therefore, it has been classified as a Variant of Uncertain Significance.

NM_000719.7(CACNA1C):c.5771T>C (p.Leu1924Pro)

Genes: CACNA1C (calcium voltage-gated channel subunit alpha1 C; plus strand), CACNA1C-AS1 (CACNA1C antisense RNA 1; minus strand). Cytogenetic location: 12p13.33.
Variant type: single nucleotide variant.
Coding change: c.5771T>C on transcript NM_000719.7 (MANE Select); coding-DNA position 5771, T replaced by C.
Protein change: p.Leu1924Pro; replaces leucine 1924 with proline.
Molecular consequence: missense variant.
Genome position (GRCh38, 1-based): chr12:2,686,256, T>C. VCF-style: chr12-2686256-T-C. GRCh37 (hg19) VCF-style: chr12-2795422-T-C.
Other names: c.5915T>C, p.Leu1972Pro (NM_001129827.2); c.5894T>C, p.Leu1965Pro (NM_001129829.2); c.5876T>C, p.Leu1959Pro (NM_001129830.3, NM_001167624.3); c.5855T>C, p.Leu1952Pro (NM_001129831.2); c.5831T>C, p.Leu1944Pro (NM_001129832.2); c.5828T>C, p.Leu1943Pro (NM_001129833.2, NM_001129834.2, NM_001129835.2); c.5822T>C, p.Leu1941Pro (NM_001129836.2); c.5795T>C, p.Leu1932Pro (NM_001129837.2, NM_001129838.2); and 6 more; short protein forms L1943P, L1944P, L1952P, L1959P, L1965P, L1972P, L1984P, L2007P.
Identifiers: ClinVar variation 1001117 (VCV001001117.9), dbSNP rs2097477596, ClinGen allele CA383382803.